The following is an entry in ClinVar:

ClinVar aggregate classification (germline): Uncertain significance (1 of 4 stars; one submission).

Conditions:
Duchenne muscular dystrophy (DMD). Also called: Duchenne Muscular Dystrophy (DMD); MUSCULAR DYSTROPHY, PSEUDOHYPERTROPHIC PROGRESSIVE, DUCHENNE TYPE. Identifiers: Orphanet 98896, MedGen C0013264, MONDO:0010679, OMIM 310200.

Submission:

Labcorp Genetics (formerly Invitae), Labcorp
Classification: Uncertain significance for Duchenne muscular dystrophy. Last evaluated: 2022-06-30. Review status: criteria provided, single submitter. Criteria: Invitae Variant Classification Sherloc (09022015). Collection method: clinical testing. Allele origin: germline.
Comment: Experimental studies and prediction algorithms are not available or were not evaluated, and the functional significance of this variant is currently unknown. This variant has not been reported in the literature in individuals affected with DMD-related conditions. This variant results in a copy number gain of the genomic region encompassing exon(s) 64-77 of the DMD gene. While the exact position of this variant cannot be determined from the data, sub-genic copy number gains are generally in tandem (PMID: 25640679). This variant is predicted to be in-frame, and likely preserves the integrity of the reading frame. In summary, the available evidence is currently insufficient to determine the role of this variant in disease. Therefore, it has been classified as a Variant of Uncertain Significance.

Literature cited by the submitters: PubMed 25640679.

NC_000023.10:g.(?_31152199)_(31241258_?)dup

Gene: DMD (dystrophin; minus strand). Cytogenetic location: Xp21.2.
Variant type: Duplication.
Identifiers: ClinVar variation 2424991 (VCV002424991.5).